The following is an entry in ClinVar:

ClinVar aggregate classification (germline): Pathogenic (1 of 4 stars; one submission).

Conditions:
Marfan syndrome (MFS). Also called: MARFAN SYNDROME, TYPE I; Marfan syndrome type 1; Marfan's syndrome; Marfan syndrome, classic; FBN1-Related Marfan Syndrome. Identifiers: Orphanet 284963, Orphanet 558, MedGen C0024796, MONDO:0007947, OMIM 154700.
Familial thoracic aortic aneurysm and aortic dissection (TAAD). Also called: Thoracic aortic aneurysms and dissections. Identifiers: Orphanet 91387, MedGen C4707243, MONDO:0019625.

Submission:

Labcorp Genetics (formerly Invitae), Labcorp
Classification: Pathogenic for Marfan syndrome; Familial thoracic aortic aneurysm and aortic dissection. Last evaluated: 2021-05-30. Review status: criteria provided, single submitter. Criteria: Invitae Variant Classification Sherloc (09022015). Collection method: clinical testing. Allele origin: germline.
Comment: This variant is not present in population databases (ExAC no frequency). This sequence change creates a premature translational stop signal (p.Cys358*) in the FBN1 gene. It is expected to result in an absent or disrupted protein product. Loss-of-function variants in FBN1 are known to be pathogenic (PMID: 17657824, 19293843). This variant has not been reported in the literature in individuals with FBN1-related conditions. For these reasons, this variant has been classified as Pathogenic.

Literature cited by the submitters: PubMed 17657824; PubMed 19293843.

NM_000138.5(FBN1):c.1074_1081del (p.Cys358_Asp361delinsTer)

Genes: FBN1 (fibrillin 1; minus strand), LOC113939944 (Sharpr-MPRA regulatory region 9539; plus strand). Cytogenetic location: 15q21.1.
Variant type: Deletion.
Coding change: c.1074_1081del on transcript NM_000138.5 (MANE Select); coding-DNA positions 1074 to 1081, 8 bases deleted (CTGCTGTG; older notation c.1074_1081delCTGCTGTG).
Protein change: p.Cys358_Asp361delinsTer.
Molecular consequence: nonsense.
Genome position (GRCh38, 1-based): chr15:48,520,725-48,520,732, CACAGCAG deleted on the plus strand (CTGCTGTG on the coding strand, the reverse complement: FBN1 is on the minus strand); deleting any 8 consecutive bases within chr15:48,520,725-48,520,735 gives the same sequence; the c. name uses the placement nearest the transcript's 3' end. VCF-style (leftmost placement, unchanged base first): chr15-48520724-TCACAGCAG-T. GRCh37 (hg19) VCF-style: chr15-48812921-TCACAGCAG-T.
Identifiers: ClinVar variation 1453650 (VCV001453650.6), dbSNP rs2141336085, ClinGen allele CA2573150786.